The following is an entry in ClinVar:

ClinVar aggregate classification (germline): Pathogenic (1 of 4 stars; one submission).

Conditions:
Multiple congenital anomalies-hypotonia-seizures syndrome 1 (MCAHS1). Also called: PIGN-CDG; Congenital disorder of glycosylation due to PIGN deficiency; GLYCOSYLPHOSPHATIDYLINOSITOL BIOSYNTHESIS DEFECT 3. Identifiers: Orphanet 280633, MedGen C3279775, MONDO:0013563, OMIM 614080.

Submission:

Labcorp Genetics (formerly Invitae), Labcorp
Classification: Pathogenic for Multiple congenital anomalies-hypotonia-seizures syndrome 1. Last evaluated: 2024-09-03. Review status: criteria provided, single submitter. Criteria: Invitae Variant Classification Sherloc (09022015). Collection method: clinical testing. Allele origin: germline.
Comment: This sequence change creates a premature translational stop signal (p.Ser716*) in the PIGN gene. It is expected to result in an absent or disrupted protein product. Loss-of-function variants in PIGN are known to be pathogenic (PMID: 24253414, 27038415). This variant is not present in population databases (gnomAD no frequency). This variant has not been reported in the literature in individuals affected with PIGN-related conditions. For these reasons, this variant has been classified as Pathogenic.

Literature cited by the submitters: PubMed 24253414; PubMed 27038415.

NM_176787.5(PIGN):c.2147C>A (p.Ser716Ter)

Gene: PIGN (phosphatidylinositol glycan anchor biosynthesis class N; minus strand). Cytogenetic location: 18q21.33.
Variant type: single nucleotide variant.
Coding change: c.2147C>A on transcript NM_176787.5 (MANE Select); coding-DNA position 2147, C replaced by A.
Protein change: p.Ser716Ter; replaces serine 716 with a stop codon.
Molecular consequence: nonsense.
Genome position (GRCh38, 1-based): chr18:62,095,881, G>T on the plus strand (C>A on the coding strand, the complement: PIGN is on the minus strand). VCF-style: chr18-62095881-G-T. GRCh37 (hg19) VCF-style: chr18-59763114-G-T.
Other names: c.2147C>A, p.Ser716Ter (NM_012327.6); short protein forms S716*.
Identifiers: ClinVar variation 3690397 (VCV003690397.2).
Genomic context (GRCh38, chr18:62,095,881, plus strand): 5'-AAAATTAAATTGTTAAAAAGTTTATACCCTGTGCTTAGAAGTAGGTAGGTTGACATCAAT[G>T]AAAGAAGTATGCTGAACAATCGCTGAAAGAGAACTGGAGAACTCAGTAGTGGCACAACCA-3'